The following is an entry in ClinVar:

NM_001267550.2(TTN):c.68323dup (p.Ile22775fs)

Genes: TTN (titin; minus strand), TTN-AS1 (TTN antisense RNA 1; plus strand), LOC126806423 (CDK7 strongly-dependent group 2 enhancer GRCh37_chr2:179443309-179444508; plus strand). Cytogenetic location: 2q31.2.
Variant type: Duplication.
Coding change: c.68323dup on transcript NM_001267550.2 (MANE Select); coding-DNA position 68323, one base duplicated (A; older notation c.68323dupA).
Protein change: p.Ile22775fs; shifts the reading frame from isoleucine 22775.
Molecular consequence: frameshift variant.
Genome position (GRCh38, 1-based): chr2:178,578,617, T duplicated on the plus strand (A on the coding strand, the reverse complement: TTN is on the minus strand); the first of 2 consecutive T bases (chr2:178,578,617-178,578,618); duplicating either gives the same sequence. VCF-style (leftmost placement, unchanged base first): chr2-178578616-A-AT. GRCh37 (hg19) VCF-style: chr2-179443343-A-AT.
Other names: c.63400dup, p.Ile21134fs (NM_001256850.1); c.41128dup, p.Ile13710fs (NM_003319.4); c.60619dup, p.Ile20207fs (NM_133378.4); c.41503dup, p.Ile13835fs (NM_133432.3); c.41704dup, p.Ile13902fs (NM_133437.4); short protein forms I13710fs, I13835fs, I13902fs, I20207fs, I21134fs, I22775fs.
Identifiers: ClinVar variation 3382811 (VCV003382811.3).
Genomic context (GRCh38, chr2:178,578,616, plus strand): 5'-AATATTTGTGAGGAATCTTGATGTAAAAGCTGTAGGATAAGAACAAACAAAATACCTGTA[A>AT]TTGGAGAACCACCAGTTTTCTTGGGGTCAGTCCAAGTTAGAGATACTGAATCGTGTCTGA-3'

ClinVar aggregate classification (germline): Likely pathogenic (1 of 4 stars; one submission).

Conditions:
Dilated cardiomyopathy 1G (CMD1G). Identifiers: Orphanet 154, MedGen C1858763, MONDO:0011400, OMIM 604145.

Submission:

Juno Genomics, Hangzhou Juno Genomics, Inc
Classification: Likely pathogenic for Dilated cardiomyopathy 1G. Review status: criteria provided, single submitter. Criteria: ACMG Guidelines, 2015. Collection method: clinical testing. Allele origin: germline.
Comment: Absent from controls (or at extremely low frequency if recessive) in Genome Aggregation Database.;Null variant in a gene where loss of function (LOF) is a known mechanism of disease.